The following is an entry in ClinVar:

NM_053013.4(ENO3):c.17del (p.Ile6fs)

Gene: ENO3 (enolase 3; plus strand). Cytogenetic location: 17p13.2.
Variant type: Deletion.
Coding change: c.17del on transcript NM_053013.4 (MANE Select); coding-DNA position 17, one base deleted (T; older notation c.17delT).
Protein change: p.Ile6fs; shifts the reading frame from isoleucine 6.
Molecular consequence: frameshift variant.
Genome position (GRCh38, 1-based): chr17:4,951,846, T deleted. VCF-style (leftmost placement, unchanged base first): chr17-4951845-AT-A. GRCh37 (hg19) VCF-style: chr17-4855140-AT-A.
Other names: c.17del, p.Ile6fs (NM_001193503.2, NM_001374523.1, NM_001976.5); c.44del, p.Ile15fs (NM_001374524.1); short protein forms I15fs, I6fs.
Identifiers: ClinVar variation 3685504 (VCV003685504.3).

ClinVar aggregate classification (germline): Conflicting classifications of pathogenicity. Review status: criteria provided, conflicting classifications (1 of 4 stars). 2 submissions from 2 submitters: Likely pathogenic (1); Uncertain significance (1). Last evaluated 2026-03-25.

Conditions:
Glycogen storage disease due to muscle beta-enolase deficiency (GSD13). Also called: ENOLASE 3 DEFICIENCY; ENOLASE-BETA DEFICIENCY; GSD XIII; Glycogen Storage Disease Type XIII. Identifiers: Orphanet 99849, MedGen C2752027, MONDO:0013046, OMIM 612932.

Submissions (2):

Dasa
Classification: Likely pathogenic. Last evaluated: 2026-03-25. Review status: criteria provided, single submitter. Criteria: DASA Assertion Criteria. Collection method: clinical testing. Allele origin: germline.
Comment: NM_053013.4(ENO3):c.17del (p.Ile6Thrfs*44) is a frameshift variant in ENO3 predicted to alter the reading frame and introduce a premature termination codon and is predicted to result in an absent or altered protein product. Loss of function is an established disease mechanism for ENO3-associated disorders. Also, this variant is rare in population databases. Based on the currently available evidence, this variant is classified as likely pathogenic.

Labcorp Genetics (formerly Invitae), Labcorp
Classification: Uncertain significance for Glycogen storage disease due to muscle beta-enolase deficiency. Last evaluated: 2025-01-31. Review status: criteria provided, single submitter. Criteria: Invitae Variant Classification Sherloc (09022015). Collection method: clinical testing. Allele origin: germline.
Comment: This sequence change creates a premature translational stop signal (p.Ile6Thrfs*44) in the ENO3 gene. It is expected to result in an absent or disrupted protein product. However, the current clinical and genetic evidence is not sufficient to establish whether loss-of-function variants in ENO3 cause disease. This variant is not present in population databases (gnomAD no frequency). This premature translational stop signal has been observed in individual(s) with neurodevelopmental disorder (PMID: 33004838). In summary, the available evidence is currently insufficient to determine the role of this variant in disease. Therefore, it has been classified as a Variant of Uncertain Significance.

Literature cited by the submitters: PubMed 33004838 (cited by Labcorp Genetics (formerly Invitae), Labcorp).